The following is an entry in ClinVar:

ClinVar aggregate classification (germline): Uncertain significance (1 of 4 stars; one submission).

Allele frequency attached by ClinVar (database versions not stated): TOPMed 0.00006; gnomAD exomes 0.00002; ExAC 0.00004; gnomAD 0.00004.
gnomAD v4.1: 31 of 1,600,262 alleles (0.0019%); highest among the groups gnomAD compares: Middle Eastern, 0.017%; no homozygotes.

Submission:

Women's Health and Genetics/Laboratory Corporation of America, LabCorp
Classification: Uncertain significance. Last evaluated: 2022-02-01. Review status: criteria provided, single submitter. Criteria: LabCorp Variant Classification Summary - May 2015. Collection method: clinical testing. Allele origin: germline.
Comment: Variant summary: MARK3 c.1917-11A>G alters a conserved nucleotide located close to a canonical splice site and therefore could affect mRNA splicing, leading to a significantly altered protein sequence. 4/4 computational tools predict no significant impact on normal splicing. However, these predictions have yet to be confirmed by functional studies. The variant allele was found at a frequency of 2e-05 in 245932 control chromosomes. The available data on variant occurrences in the general population are insufficient to allow any conclusion about variant significance. To our knowledge, no occurrence of c.1917-11A>G in individuals affected with Visual Impairment And Progressive Phthisis Bulbi and no experimental evidence demonstrating its impact on protein function have been reported. No clinical diagnostic laboratories have submitted clinical-significance assessments for this variant to ClinVar after 2014. Based on the evidence outlined above, the variant was classified as uncertain significance.

NM_001128918.3(MARK3):c.1917-11A>G

Gene: MARK3 (microtubule affinity regulating kinase 3; plus strand). Cytogenetic location: 14q32.33.
Variant type: single nucleotide variant.
Coding change: c.1917-11A>G on transcript NM_001128918.3 (MANE Select); 11 bases into the intron before coding-DNA position 1917, A replaced by G.
Molecular consequence: intron variant.
Genome position (GRCh38, 1-based): chr14:103,502,871, A>G. VCF-style: chr14-103502871-A-G. GRCh37 (hg19) VCF-style: chr14-103969208-A-G.
Other names: c.1890-11A>G (NM_001128919.3); c.1845-11A>G (NM_002376.7); c.1797-11A>G (NM_001128920.3); c.1635-11A>G (NM_001128921.3).
Identifiers: ClinVar variation 1343520 (VCV001343520.1), dbSNP rs557344866, ClinGen allele CA7364319.